The following is an entry in ClinVar:

NM_004999.4(MYO6):c.2632A>G (p.Ile878Val)

Gene: MYO6 (myosin VI; plus strand). Cytogenetic location: 6q14.1.
Variant type: single nucleotide variant.
Coding change: c.2632A>G on transcript NM_004999.4 (MANE Select); coding-DNA position 2632, A replaced by G.
Protein change: p.Ile878Val; replaces isoleucine 878 with valine.
Molecular consequence: missense variant. On other transcripts: non-coding transcript variant (1).
Genome position (GRCh38, 1-based): chr6:75,886,968, A>G. VCF-style: chr6-75886968-A-G. GRCh37 (hg19) VCF-style: chr6-76596685-A-G.
Other names: c.2632A>G, p.Ile878Val (NM_001300899.2, NM_001368136.1, NM_001368137.1 and 2 more transcripts); c.2617A>G, p.Ile873Val (NM_001368138.1); short protein forms I873V, I878V.
Identifiers: ClinVar variation 1706114 (VCV001706114.3), dbSNP rs754062767, ClinGen allele CA3897411.
Genomic context (GRCh38, chr6:75,886,968, plus strand): 5'-AGTGTGTTGAAAGATGGAAAACCCGAGATGAATAAACAGATCAAGAATCTGGAAATTTCT[A>G]TTGATACTTTGATGGCCAAAATTAAGGTATGTAATTTCAACCCGAATGACTTTGACTTTT-3'
Protein context (NP_004990.3, residues 868-888): NKQIKNLEIS[Ile878Val]DTLMAKIKST

ClinVar aggregate classification (germline): Uncertain significance. Review status: criteria provided, multiple submitters, no conflicts (2 of 4 stars). 2 submissions from 2 submitters: Uncertain significance (2). Last evaluated 2022-03-15.

Allele frequency attached by ClinVar (database versions not stated): TOPMed below 0.00001; ExAC 0.00001; gnomAD 0.00001; gnomAD exomes 0.00001.
gnomAD v4.1: 23 of 1,613,630 alleles (0.0014%); highest among the groups gnomAD compares: East Asian, 0.011%; no homozygotes.

Submissions (2):

GeneDx
Classification: Uncertain significance. Last evaluated: 2022-03-15. Review status: criteria provided, single submitter. Criteria: GeneDx Variant Classification Process June 2021. Collection method: clinical testing. Allele origin: germline. Affected: yes.
Comment: In silico analysis supports that this missense variant does not alter protein structure/function; Has not been previously published as pathogenic or benign to our knowledge

Blueprint Genetics
Classification: Uncertain significance. Last evaluated: 2019-03-05. Review status: criteria provided, single submitter. Criteria: ACMG Guidelines, 2015. Collection method: clinical testing. Allele origin: germline.